The following is an entry in ClinVar:

NM_015192.4(PLCB1):c.3279-35A>G

Gene: PLCB1 (phospholipase C beta 1; plus strand). Cytogenetic location: 20p12.3.
Variant type: single nucleotide variant.
Coding change: c.3279-35A>G on transcript NM_015192.4 (MANE Select); 35 bases into the intron before coding-DNA position 3279, A replaced by G.
Molecular consequence: intron variant.
Genome position (GRCh38, 1-based): chr20:8,789,483, A>G. VCF-style: chr20-8789483-A-G. GRCh37 (hg19) VCF-style: chr20-8770130-A-G.
Other names: c.3279-35A>G (NM_182734.3).
Identifiers: ClinVar variation 1254012 (VCV001254012.7), dbSNP rs2327090, ClinGen allele CA9760507.

ClinVar aggregate classification (germline): Benign. Review status: criteria provided, multiple submitters, no conflicts (2 of 4 stars). 4 submissions from 4 submitters: Benign (4). Last evaluated 2024-07-15.

Conditions:
Developmental and epileptic encephalopathy, 12 (DEE12). Identifiers: MedGen C3150988, MONDO:0013389, OMIM 613722.

Allele frequency attached by ClinVar (database versions not stated): ESP Exome Variant Server 0.96994; 1000 Genomes Project 30x 0.97080; 1000 Genomes Project 0.97085; ExAC 0.97113; TOPMed 0.97217; gnomAD 0.97292 and 0.97325; gnomAD exomes 0.97341.
gnomAD v4.1: 1,352,992 of 1,388,316 alleles (97%); highest among the groups gnomAD compares: East Asian, 100%; 659,494 homozygotes.

Submissions (4):

Unidad de Genómica Garrahan, Hospital de Pediatría Garrahan
Classification: Benign. Last evaluated: 2024-07-15. Review status: criteria provided, single submitter. Criteria: ACMG Guidelines, 2015. Collection method: clinical testing. Allele origin: germline. Affected: no. Observed: 93 variant alleles.
Comment: This variant is classified as Benign based on local population frequency. This variant was detected in 100% of patients studied in a panel designed for Epileptic and Developmental Encephalopathy and Progressive Myoclonus Epilepsy. Number of patients: 93. Only high quality variants are reported.

Genome-Nilou Lab
Classification: Benign for Developmental and epileptic encephalopathy, 12. Last evaluated: 2021-09-05. Review status: criteria provided, single submitter. Criteria: ACMG Guidelines, 2015. Collection method: clinical testing. Allele origin: germline. Affected: no.

GeneDx
Classification: Benign. Last evaluated: 2020-11-20. Review status: criteria provided, single submitter. Criteria: GeneDx Variant Classification Process June 2021. Collection method: clinical testing. Allele origin: germline. Affected: yes.

Breakthrough Genomics
Classification: Benign. Review status: criteria provided, single submitter. Criteria: ACMG Guidelines, 2015. Collection method: not provided. Allele origin: germline. Inheritance: Autosomal recessive inheritance. Affected: yes.